The following is an entry in ClinVar:

ClinVar aggregate classification (germline): Pathogenic (1 of 4 stars; one submission).

Conditions:
LAMA2-related muscular dystrophy (LAMA2-RD). Also called: Laminin alpha 2-related dystrophy. Identifiers: MedGen C5679788, MONDO:0100228.

Submission:

Labcorp Genetics (formerly Invitae), Labcorp
Classification: Pathogenic for LAMA2-related muscular dystrophy. Last evaluated: 2022-02-28. Review status: criteria provided, single submitter. Criteria: Invitae Variant Classification Sherloc (09022015). Collection method: clinical testing. Allele origin: germline.
Comment: This sequence change creates a premature translational stop signal (p.His580Glnfs*19) in the LAMA2 gene. It is expected to result in an absent or disrupted protein product. Loss-of-function variants in LAMA2 are known to be pathogenic (PMID: 18700894, 32904964). This variant is not present in population databases (gnomAD no frequency). This variant has not been reported in the literature in individuals affected with LAMA2-related conditions. For these reasons, this variant has been classified as Pathogenic.

Literature cited by the submitters: PubMed 18700894; PubMed 32904964.

NM_000426.4(LAMA2):c.1740del (p.His580fs)

Gene: LAMA2 (laminin subunit alpha 2; plus strand). Cytogenetic location: 6q22.33.
Variant type: Deletion.
Coding change: c.1740del on transcript NM_000426.4 (MANE Select); coding-DNA position 1740, one base deleted (C; older notation c.1740delC).
Protein change: p.His580fs; shifts the reading frame from histidine 580.
Molecular consequence: frameshift variant.
Genome position (GRCh38, 1-based): chr6:129,192,811, C deleted. VCF-style (leftmost placement, unchanged base first): chr6-129192810-AC-A. GRCh37 (hg19) VCF-style: chr6-129513955-AC-A.
Other names: c.1740del, p.His580fs (NM_001079823.2); short protein forms H580fs.
Identifiers: ClinVar variation 2104401 (VCV002104401.4), dbSNP rs2482776881, ClinGen allele CA2580074932.